The following is an entry in ClinVar:

ClinVar aggregate classification (germline): Likely benign (1 of 4 stars; one submission).

Allele frequency attached by ClinVar (database versions not stated): ExAC 0.00004; gnomAD 0.00007; gnomAD exomes 0.00007; ESP Exome Variant Server 0.00008; TOPMed 0.00009.
gnomAD v4.1: 115 of 1,605,322 alleles (0.0072%); highest among the groups gnomAD compares: Middle Eastern, 0.05%; no homozygotes.

Submission:

CeGaT Center for Human Genetics Tuebingen
Classification: Likely benign. Last evaluated: 2023-03-01. Review status: criteria provided, single submitter. Criteria: CeGaT Center For Human Genetics Tuebingen Variant Classification Criteria Version 2. Collection method: clinical testing. Allele origin: germline. Affected: yes. Observed: 1 variant allele.
Comment: ZC2HC1A: BP4, BS2

NM_016010.3(ZC2HC1A):c.605-5A>G

Genes: IL7 (interleukin 7; minus strand), ZC2HC1A (zinc finger C2HC-type containing 1A; plus strand). Cytogenetic location: 8q21.13.
Variant type: single nucleotide variant.
Coding change: c.605-5A>G on transcript NM_016010.3 (MANE Select); 5 bases into the intron before coding-DNA position 605, A replaced by G.
Molecular consequence: intron variant.
Genome position (GRCh38, 1-based): chr8:78,698,409, A>G. VCF-style: chr8-78698409-A-G. GRCh37 (hg19) VCF-style: chr8-79610644-A-G.
Other names: c.605-5A>G (NM_001362969.2).
Identifiers: ClinVar variation 2658671 (VCV002658671.24), dbSNP rs368746397, ClinGen allele CA4789130.
Genomic context (GRCh38, chr8:78,698,409, plus strand): 5'-TAGATGCTCTGTTTTATGTAACCTTTTTTAGAGTATTGTTAAAAATAATGCTTTTTTATT[A>G]TAAGGTGTTCCTTCAGGTAAAGTGTCTTCAAGTAGCAGCTCTTTGGGAAACAAACTTCAG-3'